The following is an entry in ClinVar:

ClinVar aggregate classification (germline): Pathogenic (0 of 4 stars; one submission).

Conditions:
Bardet-Biedl syndrome (BBS). Identifiers: Orphanet 110, MedGen C0752166, MONDO:0015229.

Submission:

Tolun Lab, Human Genetics Laboratory, Bogazici University
Classification: Pathogenic for Bardet-Biedl syndrome. Last evaluated: 2017-07-05. Review status: no assertion criteria provided. Collection method: research. Allele origin: inherited. Inheritance: Autosomal recessive inheritance. Affected: yes. Observed: 12 variant alleles, 5 heterozygotes, 7 homozygotes. Clinical features observed: Polydactyly, Intellectual Disability, Obesity, Rod-cone dystrophy, Renal malformation.
Comment: it is predicted as truncating, but no further studies were performed.

Literature cited by the submitters: PubMed 29127258.

NM_032898.5(CEP19):c.182dup (p.Tyr61Ter)

Gene: CEP19 (centrosomal protein 19; minus strand). Cytogenetic location: 3q29.
Variant type: Duplication.
Coding change: c.182dup on transcript NM_032898.5 (MANE Select); coding-DNA position 182, one base duplicated (A; older notation c.182dupA).
Protein change: p.Tyr61Ter; replaces tyrosine 61 with a stop codon.
Molecular consequence: nonsense.
Genome position (GRCh38, 1-based): chr3:196,707,861, T duplicated on the plus strand (A on the coding strand, the reverse complement: CEP19 is on the minus strand). VCF-style (leftmost placement, unchanged base first): chr3-196707860-G-GT. GRCh37 (hg19) VCF-style: chr3-196434731-G-GT.
Other names: short protein forms Y61*.
Identifiers: ClinVar variation 430642 (VCV000430642.3), dbSNP rs1553794304, ClinGen allele CA658683376.